The following is an entry in ClinVar:

ClinVar aggregate classification (germline): Likely benign (1 of 4 stars; one submission).

Allele frequency attached by ClinVar (database versions not stated): gnomAD exomes 0.00001; ExAC 0.00002.
gnomAD v4.1: 17 of 1,611,868 alleles (0.0011%); highest among the groups gnomAD compares: African/African-American, 0.004%; no homozygotes.

Submission:

CeGaT Center for Human Genetics Tuebingen
Classification: Likely benign. Last evaluated: 2024-01-01. Review status: criteria provided, single submitter. Criteria: CeGaT Center For Human Genetics Tuebingen Variant Classification Criteria Version 2. Collection method: clinical testing. Allele origin: germline. Affected: yes. Observed: 1 variant allele.
Comment: DNAH10: BP4, BP7

NM_001372106.1(DNAH10):c.13680C>T (p.Val4560=)

Gene: DNAH10 (dynein axonemal heavy chain 10; plus strand). Cytogenetic location: 12q24.31.
Variant type: single nucleotide variant.
Coding change: c.13680C>T on transcript NM_001372106.1 (MANE Select); coding-DNA position 13680, C replaced by T.
Protein change: p.Val4560=; no amino-acid change (valine 4560 retained).
Molecular consequence: synonymous variant.
Genome position (GRCh38, 1-based): chr12:123,935,391, C>T. VCF-style: chr12-123935391-C-T. GRCh37 (hg19) VCF-style: chr12-124419938-C-T.
Other names: c.13326C>T, p.Val4442= (NM_001083900.1, NM_207437.3).
Identifiers: ClinVar variation 3025656 (VCV003025656.22), dbSNP rs779154465, ClinGen allele CA6866371.